The following is an entry in ClinVar:

ClinVar aggregate classification (germline): Uncertain significance (1 of 4 stars; one submission).

Submission:

GeneDx
Classification: Uncertain significance. Last evaluated: 2023-07-23. Review status: criteria provided, single submitter. Criteria: GeneDx Variant Classification Process June 2021. Collection method: clinical testing. Allele origin: germline. Affected: yes.
Comment: Not observed at significant frequency in large population cohorts (gnomAD); In silico analysis supports that this missense variant has a deleterious effect on protein structure/function; Has not been previously published as pathogenic or benign to our knowledge

NM_005121.3(MED13):c.448G>T (p.Asp150Tyr)

Gene: MED13 (mediator complex subunit 13; minus strand). Cytogenetic location: 17q23.2.
Variant type: single nucleotide variant.
Coding change: c.448G>T on transcript NM_005121.3 (MANE Select); coding-DNA position 448, G replaced by T.
Protein change: p.Asp150Tyr; replaces aspartic acid 150 with tyrosine.
Molecular consequence: missense variant.
Genome position (GRCh38, 1-based): chr17:62,052,559, C>A on the plus strand (G>T on the coding strand, the complement: MED13 is on the minus strand). VCF-style: chr17-62052559-C-A. GRCh37 (hg19) VCF-style: chr17-60129920-C-A.
Other names: short protein forms D150Y.
Identifiers: ClinVar variation 3361365 (VCV003361365.1).
Genomic context (GRCh38, chr17:62,052,559, plus strand): 5'-TCTAAAGAAATATCACGTCAGAATTTAAGATAGCTTACCTTTTATTTATAGGTTTTTCAT[C>A]TTTTTCATAAGGCTTTACAAACCACTTGCCAATACGTACAAAATTCCTGTTCATTAAACA-3'
Protein context (NP_005112.2, residues 140-160): GKWFVKPYEK[Asp150Tyr]EKPINKSEHL